The following is an entry in ClinVar:

ClinVar aggregate classification (germline): Likely pathogenic (1 of 4 stars; one submission).

Submission:

Labcorp Genetics (formerly Invitae), Labcorp
Classification: Likely pathogenic. Last evaluated: 2022-01-13. Review status: criteria provided, single submitter. Criteria: Invitae Variant Classification Sherloc (09022015). Collection method: clinical testing. Allele origin: germline.
Comment: In summary, the currently available evidence indicates that the variant is pathogenic, but additional data are needed to prove that conclusively. Therefore, this variant has been classified as Likely Pathogenic. Algorithms developed to predict the effect of sequence changes on RNA splicing suggest that this variant may disrupt the consensus splice site. This variant has been observed in individual(s) with clinical features of multicentric osteolysis (Invitae). This variant is not present in population databases (gnomAD no frequency). This variant results in the deletion of part of exon 12 (c.1770-1_1774del) of the MMP2 gene. It is expected to disrupt RNA splicing. Variants that disrupt the donor or acceptor splice site typically lead to a loss of protein function (PMID: 16199547), and loss-of-function variants in MMP2 are known to be pathogenic (PMID: 26601801).

Literature cited by the submitters: PubMed 16199547; PubMed 26601801.

NM_004530.6(MMP2):c.1770-1_1774del

Gene: MMP2 (matrix metallopeptidase 2; plus strand). Cytogenetic location: 16q12.2.
Variant type: Deletion.
Coding change: c.1770-1_1774del on transcript NM_004530.6 (MANE Select); the canonical splice acceptor site of the intron before coding-DNA position 1770 through coding-DNA position 1774, 6 bases deleted (GATACA; older notation c.1770-1_1774delGATACA).
Molecular consequence: splice acceptor variant.
Genome position (GRCh38, 1-based): chr16:55,502,778-55,502,783, GATACA deleted; deleting any 6 consecutive bases within chr16:55,502,774-55,502,783 gives the same sequence; the c. name uses the placement nearest the transcript's 3' end. VCF-style (leftmost placement, unchanged base first): chr16-55502773-TTACAGA-T. GRCh37 (hg19) VCF-style: chr16-55536685-TTACAGA-T.
Other names: c.1542-1_1546del (NM_001302509.2, NM_001302508.1, NM_001302510.2); c.1620-1_1624del (NM_001127891.3).
Identifiers: ClinVar variation 2082094 (VCV002082094.4), dbSNP rs2543547290, ClinGen allele CA2580091618.